The following is an entry in ClinVar:

ClinVar aggregate classification (germline): Pathogenic (1 of 4 stars; one submission).

Conditions:
Developmental and epileptic encephalopathy, 2 (DEE2). Also called: CDKL5 deficiency disorder; INFANTILE SPASM SYNDROME, X-LINKED 2. Identifiers: Orphanet 1934, Orphanet 3451, Orphanet 505652, MedGen C4750718, MONDO:0010396, OMIM 300672.

Submission:

Institute of Human Genetics, University of Leipzig Medical Center
Classification: Pathogenic for Developmental and epileptic encephalopathy, 2. Last evaluated: 2025-06-25. Review status: criteria provided, single submitter. Criteria: ACMG Guidelines, 2015. Collection method: clinical testing. Allele origin: de novo. Inheritance: X-linked dominant inheritance. Affected: yes.
Comment: Criteria applied: PVS1,PM2,PS2

NM_001323289.2(CDKL5):c.2153-1276_2276+3032del

Gene: CDKL5 (cyclin dependent kinase like 5; plus strand). Cytogenetic location: Xp22.13.
Variant type: Deletion.
Coding change: c.2153-1276_2276+3032del on transcript NM_001323289.2 (MANE Select); 1276 bases into the intron before coding-DNA position 2153 through 3032 bases into the intron after coding-DNA position 2276, 4,432 bases deleted.
Molecular consequence: splice acceptor variant, splice donor variant.
Genome position (GRCh38, 1-based): chrX:18,611,876-18,616,307, 4,432 bases deleted. GRCh37 (hg19): chrX:18,629,996-18,634,427.
Other names: c.2153-1276_2276+3032del (NM_003159.3, NM_001037343.2).
Identifiers: ClinVar variation 4056315 (VCV004056315.1).